The following is an entry in ClinVar:

ClinVar aggregate classification (germline): Uncertain significance (1 of 4 stars; one submission).

Conditions:
WDPCP-related disorder. Also called: WDPCP-related condition.

Submission:

PreventionGenetics, part of Exact Sciences
Classification: Uncertain significance for WDPCP-related condition. Last evaluated: 2025-05-20. Review status: criteria provided, single submitter. Criteria: ACMG Guidelines, 2015. Collection method: clinical testing. Allele origin: germline.
Comment: The WDPCP c.992T>C variant is predicted to result in the amino acid substitution p.Val331Ala. To our knowledge, this variant has not been reported in the literature or in a large population database (gnomAD), indicating this variant is rare. At this time, the clinical significance of this variant is uncertain due to the absence of conclusive functional and genetic evidence.

NM_015910.7(WDPCP):c.992T>C (p.Val331Ala)

Gene: WDPCP (WD repeat containing planar cell polarity effector; minus strand). Cytogenetic location: 2p15.
Variant type: single nucleotide variant.
Coding change: c.992T>C on transcript NM_015910.7 (MANE Select); coding-DNA position 992, T replaced by C.
Protein change: p.Val331Ala; replaces valine 331 with alanine.
Molecular consequence: missense variant. On other transcripts: non-coding transcript variant (3).
Genome position (GRCh38, 1-based): chr2:63,404,491, A>G on the plus strand (T>C on the coding strand, the complement: WDPCP is on the minus strand). VCF-style: chr2-63404491-A-G. GRCh37 (hg19) VCF-style: chr2-63631626-A-G.
Other names: c.515T>C, p.Val172Ala (NM_001042692.3); c.920T>C, p.Val307Ala (NM_001354044.2); c.992T>C, p.Val331Ala (NM_001354045.2); short protein forms V172A, V331A, V307A.
Identifiers: ClinVar variation 4989874 (VCV004989874.1).
Genomic context (GRCh38, chr2:63,404,491, plus strand): 5'-TTGTCTTCAGTAACATTCCTGCAGCAGCTGATGGCCTTTGACTTTAGTGGTATTCTGGTG[A>G]CTGACACACACTGGATTTTATTCCGAATGCATTCATAGATGCAGCTGTCAGCCATGGGCT-3'
Protein context (NP_056994.3, residues 321-341): CIRNKIQCVS[Val331Ala]TRIPLKSKAI